The following is an entry in ClinVar:

ClinVar aggregate classification (germline): Uncertain significance (1 of 4 stars; one submission).

Submission:

GeneDx
Classification: Uncertain significance. Last evaluated: 2021-09-27. Review status: criteria provided, single submitter. Criteria: GeneDx Variant Classification Process June 2021. Collection method: clinical testing. Allele origin: germline. Affected: yes.
Comment: Not observed at significant frequency in large population cohorts (gnomAD); In silico analysis supports that this missense variant does not alter protein structure/function; Has not been previously published as pathogenic or benign to our knowledge

NM_001042681.2(RERE):c.344G>A (p.Ser115Asn)

Gene: RERE (arginine-glutamic acid dipeptide repeats; minus strand). Cytogenetic location: 1p36.23.
Variant type: single nucleotide variant.
Coding change: c.344G>A on transcript NM_001042681.2 (MANE Select); coding-DNA position 344, G replaced by A.
Protein change: p.Ser115Asn; replaces serine 115 with asparagine.
Molecular consequence: missense variant.
Genome position (GRCh38, 1-based): chr1:8,624,362, C>T on the plus strand (G>A on the coding strand, the complement: RERE is on the minus strand). VCF-style: chr1-8624362-C-T. GRCh37 (hg19) VCF-style: chr1-8684421-C-T.
Other names: c.344G>A, p.Ser115Asn (NM_012102.4); short protein forms S115N.
Identifiers: ClinVar variation 1526375 (VCV001526375.2), dbSNP rs1570529719, ClinGen allele CA338225378.